The following is an entry in ClinVar:

ClinVar aggregate classification (germline): Pathogenic/Likely pathogenic. Review status: criteria provided, multiple submitters, no conflicts (2 of 4 stars). 4 submissions from 4 submitters: Pathogenic (1); Likely pathogenic (3). Last evaluated 2025-11-13.

Conditions:
Methylmalonic aciduria, cblA type (MACA). Also called: Methylmalonic aciduria, vitamin B12-responsive; Vitamin B12-responsive methylmalonic acidemia type cblA; Methylmalonic aciduria, vitamin b12-responsive, due to defect in synthesis of adenosylcobalamin, cbla complementation type; MMA cbl A type; Methylmalonic acidemia cblA type. Identifiers: Orphanet 28, Orphanet 79310, MedGen C1855109, MONDO:0009613, OMIM 251100.

Allele frequency attached by ClinVar (database versions not stated): ExAC 0.00001; gnomAD 0.00001; gnomAD exomes 0.00002.

Submissions (4):

Natera, Inc.
Classification: Likely pathogenic for Methylmalonic aciduria cblA type. Last evaluated: 2025-11-13. Review status: criteria provided, single submitter. Criteria: Natera Variant Classification Schema (03/2026). Collection method: clinical testing. Allele origin: germline.
Comment: The c.365T>C variant in MMAA is a missense variant predicted to cause substitution of leucine to proline at amino acid 122. This variant is rare in the general population with a frequency below the threshold expected for the associated phenotype(s). This variant has been observed in one or more individuals affected with the associated recessive disease, as either homozygous or compound heterozygous with a second variant (PMID: 38651393, 30904546). This variant has been identified in one or more affected individual with a phenotype highly consistent with the associated gene (PMID: 30904546). Computational prediction algorithms indicate this variant is likely to affect gene or protein function. Given the available evidence, this variant is classified as Likely Pathogenic.

Labcorp Genetics (formerly Invitae), Labcorp
Classification: Pathogenic for Methylmalonic aciduria, cblA type. Last evaluated: 2024-04-29. Review status: criteria provided, single submitter. Criteria: Invitae Variant Classification Sherloc (09022015). Collection method: clinical testing. Allele origin: germline.
Comment: This sequence change replaces leucine, which is neutral and non-polar, with proline, which is neutral and non-polar, at codon 122 of the MMAA protein (p.Leu122Pro). This variant is present in population databases (rs760875006, gnomAD 0.03%). This missense change has been observed in individuals with methylmalonic aciduria cobalamin A type (PMID: 29996803, 32754920). It has also been observed to segregate with disease in related individuals. ClinVar contains an entry for this variant (Variation ID: 1455101). Advanced modeling of protein sequence and biophysical properties (such as structural, functional, and spatial information, amino acid conservation, physicochemical variation, residue mobility, and thermodynamic stability) performed at Invitae indicates that this missense variant is expected to disrupt MMAA protein function with a positive predictive value of 80%. For these reasons, this variant has been classified as Pathogenic.

Fulgent Genetics
Classification: Likely pathogenic for Methylmalonic aciduria, cblA type. Last evaluated: 2024-04-05. Review status: criteria provided, single submitter. Criteria: ACMG Guidelines, 2015. Collection method: clinical testing. Allele origin: germline.

Baylor Genetics
Classification: Likely pathogenic for Methylmalonic aciduria, cblA type. Last evaluated: 2023-10-25. Review status: criteria provided, single submitter. Criteria: ACMG Guidelines, 2015. Collection method: clinical testing. Allele origin: unknown.

Literature cited by the submitters: PubMed 38651393 (cited by Natera, Inc.); PubMed 30904546 (cited by Natera, Inc.); PubMed 29996803 (cited by Labcorp Genetics (formerly Invitae), Labcorp); PubMed 32754920 (cited by Labcorp Genetics (formerly Invitae), Labcorp).

NM_172250.3(MMAA):c.365T>C (p.Leu122Pro)

Gene: MMAA (metabolism of cobalamin associated A; plus strand). Cytogenetic location: 4q31.21.
Variant type: single nucleotide variant.
Coding change: c.365T>C on transcript NM_172250.3 (MANE Select); coding-DNA position 365, T replaced by C.
Protein change: p.Leu122Pro; replaces leucine 122 with proline.
Molecular consequence: missense variant.
Genome position (GRCh38, 1-based): chr4:145,639,504, T>C. VCF-style: chr4-145639504-T-C. GRCh37 (hg19) VCF-style: chr4-146560656-T-C.
Other names: c.365T>C, p.Leu122Pro (NM_001375644.1); c.365T>C (NM_172250.2); short protein forms L122P.
Identifiers: ClinVar variation 1455101 (VCV001455101.9), dbSNP rs760875006, ClinGen allele CA3095159.
Genomic context (GRCh38, chr4:145,639,504, plus strand): 5'-CAGAGGCCATAACTCTTGTAGAATCAACTCACAGCAGGAAAAAGGAGTTAGCCCAGGTGC[T>C]TCTTCAGAAAGTATTACTTTACCACAGAGAACAAGAACAATCAAATAAAGGAAAACCACT-3'
Protein context (NP_758454.1, residues 112-132): HSRKKELAQV[Leu122Pro]LQKVLLYHRE